The following is an entry in ClinVar:

ClinVar aggregate classification (germline): Uncertain significance (1 of 4 stars; one submission).

Allele frequency attached by ClinVar (database versions not stated): TOPMed below 0.00001.

Submission:

Labcorp Genetics (formerly Invitae), Labcorp
Classification: Uncertain significance. Last evaluated: 2022-04-09. Review status: criteria provided, single submitter. Criteria: Invitae Variant Classification Sherloc (09022015). Collection method: clinical testing. Allele origin: germline.
Comment: This variant has not been reported in the literature in individuals affected with NBAS-related conditions. This variant is not present in population databases (gnomAD no frequency). This sequence change replaces lysine, which is basic and polar, with arginine, which is basic and polar, at codon 1229 of the NBAS protein (p.Lys1229Arg). Algorithms developed to predict the effect of missense changes on protein structure and function (SIFT, PolyPhen-2, Align-GVGD) all suggest that this variant is likely to be disruptive. In summary, the available evidence is currently insufficient to determine the role of this variant in disease. Therefore, it has been classified as a Variant of Uncertain Significance. Algorithms developed to predict the effect of sequence changes on RNA splicing suggest that this variant may create or strengthen a splice site.

NM_015909.4(NBAS):c.3686A>G (p.Lys1229Arg)

Gene: NBAS (NBAS subunit of NRZ tethering complex; minus strand). Cytogenetic location: 2p24.3.
Variant type: single nucleotide variant.
Coding change: c.3686A>G on transcript NM_015909.4 (MANE Select); coding-DNA position 3686, A replaced by G.
Protein change: p.Lys1229Arg; replaces lysine 1229 with arginine.
Molecular consequence: missense variant. On other transcripts: non-coding transcript variant (1).
Genome position (GRCh38, 1-based): chr2:15,374,625, T>C on the plus strand (A>G on the coding strand, the complement: NBAS is on the minus strand). VCF-style: chr2-15374625-T-C. GRCh37 (hg19) VCF-style: chr2-15514749-T-C.
Other names: short protein forms K1229R.
Identifiers: ClinVar variation 2123846 (VCV002123846.2), dbSNP rs1674644111, ClinGen allele CA345895856.